The following is an entry in ClinVar:

NM_001128918.3(MARK3):c.1327A>G (p.Ser443Gly)

Gene: MARK3 (microtubule affinity regulating kinase 3; plus strand). Cytogenetic location: 14q32.32.
Variant type: single nucleotide variant.
Coding change: c.1327A>G on transcript NM_001128918.3 (MANE Select); coding-DNA position 1327, A replaced by G.
Protein change: p.Ser443Gly; replaces serine 443 with glycine.
Molecular consequence: missense variant.
Genome position (GRCh38, 1-based): chr14:103,475,055, A>G. VCF-style: chr14-103475055-A-G. GRCh37 (hg19) VCF-style: chr14-103941392-A-G.
Other names: NC_000014.8:g.103941392A>G; c.1327A>G, p.Ser443Gly (NM_001128919.3, NM_002376.7); c.1279A>G, p.Ser427Gly (NM_001128920.3); c.1090A>G, p.Ser364Gly (NM_001128921.3); c.1273A>G, p.Ser425Gly (NM_001411055.1); c.1135A>G, p.Ser379Gly (NM_001411056.1); short protein forms S364G, S379G, S425G, S427G, S443G.
Identifiers: ClinVar variation 3056411 (VCV003056411.3), dbSNP rs56305318, ClinGen allele CA7364100.

ClinVar aggregate classification (germline): Benign (0 of 4 stars; one submission).

Conditions:
MARK3-related disorder. Also called: MARK3-related condition.

Allele frequency attached by ClinVar (database versions not stated): gnomAD exomes 0.00405; ExAC 0.01322; gnomAD 0.04428; ESP Exome Variant Server 0.04685; 1000 Genomes Project 0.04832; TOPMed 0.04939; 1000 Genomes Project 30x 0.05106.
gnomAD v4.1: 12,898 of 1,614,142 alleles (0.8%); highest among the groups gnomAD compares: African/African-American, 15%; 949 homozygotes.

Submissions (10):

PreventionGenetics, part of Exact Sciences
Classification: Benign for MARK3-related condition. Last evaluated: 2019-09-30. Review status: no assertion criteria provided. Collection method: clinical testing. Allele origin: germline.
Comment: This variant is classified as benign based on ACMG/AMP sequence variant interpretation guidelines (Richards et al. 2015 PMID: 25741868, with internal and published modifications).

Dr. Peter K. Rogan Lab, Western University
No classification provided (evidence only). Condition: Colon adenocarcinoma. Review status: no classification provided. Collection method: in vitro. Allele origin: not applicable. Functional consequence: retained intron. Not counted in ClinVar's aggregate classification.

Dr. Peter K. Rogan Lab, Western University
No classification provided (evidence only). Condition: Thyroid cancer, nonmedullary, 1. Review status: no classification provided. Collection method: in vitro. Allele origin: not applicable. Functional consequence: retained intron. Not counted in ClinVar's aggregate classification.

Dr. Peter K. Rogan Lab, Western University
No classification provided (evidence only). Condition: Uterine corpus endometrial carcinoma. Review status: no classification provided. Collection method: in vitro. Allele origin: not applicable. Functional consequence: skipped exon. Not counted in ClinVar's aggregate classification.

Dr. Peter K. Rogan Lab, Western University
No classification provided (evidence only). Condition: Uterine corpus endometrial carcinoma. Review status: no classification provided. Collection method: in vitro. Allele origin: not applicable. Functional consequence: retained intron. Not counted in ClinVar's aggregate classification.

Dr. Peter K. Rogan Lab, Western University
No classification provided (evidence only). Condition: Cervical cancer. Review status: no classification provided. Collection method: in vitro. Allele origin: not applicable. Functional consequence: skipped exon. Not counted in ClinVar's aggregate classification.

Dr. Peter K. Rogan Lab, Western University
No classification provided (evidence only). Condition: Sarcoma. Review status: no classification provided. Collection method: in vitro. Allele origin: not applicable. Functional consequence: retained intron. Not counted in ClinVar's aggregate classification.

Dr. Peter K. Rogan Lab, Western University
No classification provided (evidence only). Condition: Hepatocellular carcinoma. Review status: no classification provided. Collection method: in vitro. Allele origin: not applicable. Functional consequence: skipped exon. Not counted in ClinVar's aggregate classification.

Dr. Peter K. Rogan Lab, Western University
No classification provided (evidence only). Condition: Nonpapillary renal cell carcinoma. Review status: no classification provided. Collection method: in vitro. Allele origin: not applicable. Functional consequence: skipped exon. Not counted in ClinVar's aggregate classification.

Dr. Peter K. Rogan Lab, Western University
No classification provided (evidence only). Condition: Malignant tumor of esophagus. Review status: no classification provided. Collection method: in vitro. Allele origin: not applicable. Functional consequence: retained intron. Not counted in ClinVar's aggregate classification.